The following is an entry in ClinVar:

ClinVar aggregate classification (germline): Uncertain significance (1 of 4 stars; one submission).

Conditions:
Alstrom syndrome (ALMS). Identifiers: Orphanet 64, MedGen C0268425, MONDO:0008763, OMIM 203800.

Submission:

Labcorp Genetics (formerly Invitae), Labcorp
Classification: Uncertain significance for Alstrom syndrome. Last evaluated: 2022-09-27. Review status: criteria provided, single submitter. Criteria: Invitae Variant Classification Sherloc (09022015). Collection method: clinical testing. Allele origin: germline.
Comment: This sequence change replaces threonine, which is neutral and polar, with isoleucine, which is neutral and non-polar, at codon 3539 of the ALMS1 protein (p.Thr3539Ile). This variant is not present in population databases (gnomAD no frequency). This variant has not been reported in the literature in individuals affected with ALMS1-related conditions. Experimental studies and prediction algorithms are not available or were not evaluated, and the functional significance of this variant is currently unknown. In summary, the available evidence is currently insufficient to determine the role of this variant in disease. Therefore, it has been classified as a Variant of Uncertain Significance.

NM_001378454.1(ALMS1):c.10613C>T (p.Thr3538Ile)

Gene: ALMS1 (ALMS1 centrosome and basal body associated protein; plus strand). Cytogenetic location: 2p13.1.
Variant type: single nucleotide variant.
Coding change: c.10613C>T on transcript NM_001378454.1 (MANE Select); coding-DNA position 10613, C replaced by T.
Protein change: p.Thr3538Ile; replaces threonine 3538 with isoleucine.
Molecular consequence: missense variant.
Genome position (GRCh38, 1-based): chr2:73,572,490, C>T. VCF-style: chr2-73572490-C-T. GRCh37 (hg19) VCF-style: chr2-73799617-C-T.
Other names: c.10616C>T, p.Thr3539Ile (NM_015120.4); short protein forms T3539I, T3538I.
Identifiers: ClinVar variation 2170177 (VCV002170177.1), dbSNP rs2466443790, ClinGen allele CA347284175.